The following is an entry in ClinVar:

NM_001304359.2(MUC5AC):c.13398C>A (p.Thr4466=)

Gene: MUC5AC (mucin 5AC, oligomeric mucus/gel-forming; plus strand). Cytogenetic location: 11p15.5.
Variant type: single nucleotide variant.
Coding change: c.13398C>A on transcript NM_001304359.2 (MANE Select); coding-DNA position 13398, C replaced by A.
Protein change: p.Thr4466=; no amino-acid change (threonine 4466 retained).
Molecular consequence: synonymous variant.
Genome position (GRCh38, 1-based): chr11:1,191,543, C>A. VCF-style: chr11-1191543-C-A. GRCh37 (hg19) VCF-style: chr11-1212769-C-A.
Identifiers: ClinVar variation 4872007 (VCV004872007.2).

ClinVar aggregate classification (germline): Likely benign (1 of 4 stars; one submission).

Submission:

CeGaT Center for Human Genetics Tuebingen
Classification: Likely benign. Last evaluated: 2026-05-01. Review status: criteria provided, single submitter. Criteria: CeGaT Center For Human Genetics Tuebingen Variant Classification Criteria Version 2. Collection method: clinical testing. Allele origin: germline. Affected: yes. Observed: 3 variant alleles.
Comment: MUC5AC: PM2:Supporting, BP4, BP7